The following is an entry in ClinVar:

NM_001710.6(CFB):c.1464C>T (p.Thr488=)

Gene: CFB (complement factor B; plus strand). Cytogenetic location: 6p21.33.
Variant type: single nucleotide variant.
Coding change: c.1464C>T on transcript NM_001710.6 (MANE Select); coding-DNA position 1464, C replaced by T.
Protein change: p.Thr488=; no amino-acid change (threonine 488 retained).
Molecular consequence: synonymous variant.
Genome position (GRCh38, 1-based): chr6:31,950,105, C>T. VCF-style: chr6-31950105-C-T. GRCh37 (hg19) VCF-style: chr6-31917882-C-T.
Identifiers: ClinVar variation 3021359 (VCV003021359.6), dbSNP rs146976271, ClinGen allele CA3728341.

ClinVar aggregate classification (germline): Likely benign. Review status: criteria provided, multiple submitters, no conflicts (2 of 4 stars). 3 submissions from 3 submitters: Likely benign (2). 1 of the submissions does not count toward it. Last evaluated 2025-11-27.

Conditions:
CFB-related disorder. Also called: CFB-related disorders; CFB-related condition.

Allele frequency attached by ClinVar (database versions not stated): TOPMed 0.00002; ExAC 0.00003; gnomAD 0.00004; 1000 Genomes Project 30x 0.00031; 1000 Genomes Project 0.00040.
gnomAD v4.1: 24 of 1,612,998 alleles (0.0015%); highest among the groups gnomAD compares: African/African-American, 0.0093%; 1 homozygote.

Submissions (3):

Labcorp Genetics (formerly Invitae), Labcorp
Classification: Likely benign. Last evaluated: 2025-11-27. Review status: criteria provided, single submitter. Criteria: Invitae Variant Classification Sherloc (09022015). Collection method: clinical testing. Allele origin: germline.

Blueprint Genetics
Classification: Likely benign. Last evaluated: 2024-10-18. Review status: criteria provided, single submitter. Criteria: ACMG Guidelines, 2015. Collection method: clinical testing. Allele origin: germline.

PreventionGenetics, part of Exact Sciences
Classification: Likely benign for CFB-related condition. Last evaluated: 2023-12-04. Review status: no assertion criteria provided. Collection method: clinical testing. Allele origin: germline. Not counted in ClinVar's aggregate classification.
Comment: This variant is classified as likely benign based on ACMG/AMP sequence variant interpretation guidelines (Richards et al. 2015 PMID: 25741868, with internal and published modifications).